The following is an entry in ClinVar:

NM_001040108.2(MLH3):c.3488G>A (p.Gly1163Asp)

Gene: MLH3 (mutL homolog 3; minus strand). Cytogenetic location: 14q24.3.
Variant type: single nucleotide variant.
Coding change: c.3488G>A on transcript NM_001040108.2 (MANE Select); coding-DNA position 3488, G replaced by A.
Protein change: p.Gly1163Asp; replaces glycine 1163 with aspartic acid.
Molecular consequence: missense variant.
Genome position (GRCh38, 1-based): chr14:75,039,993, C>T on the plus strand (G>A on the coding strand, the complement: MLH3 is on the minus strand). VCF-style: chr14-75039993-C-T. GRCh37 (hg19) VCF-style: chr14-75506696-C-T.
Other names: c.3488G>A (NM_014381.2); c.3488G>A, p.Gly1163Asp (NM_014381.3); short protein forms G1163D.
Identifiers: ClinVar variation 416458 (VCV000416458.36), dbSNP rs28757011, ClinGen allele CA7275468.

ClinVar aggregate classification (germline): Conflicting classifications of pathogenicity. Review status: criteria provided, conflicting classifications (1 of 4 stars). 10 submissions from 10 submitters: Uncertain significance (1); Benign (6); Likely benign (2). 1 of the submissions does not count toward it. Last evaluated 2026-01-13.

Conditions:
Colorectal cancer, hereditary nonpolyposis, type 7. Identifiers: Orphanet 144, MedGen C1858380, MONDO:0013725, OMIM 614385.
Colorectal cancer. Also called: Colorectal cancer, somatic; Malignant Colorectal Neoplasm. Identifiers: MedGen C0346629, MONDO:0005575, OMIM 114500.

Allele frequency attached by ClinVar (database versions not stated): ESP Exome Variant Server 0.00008; gnomAD exomes 0.00064 and 0.00218; gnomAD 0.00100 and 0.00119; TOPMed 0.00140; ExAC 0.00193; 1000 Genomes Project 30x 0.00406; 1000 Genomes Project 0.00459.

Submissions (10):

Labcorp Genetics (formerly Invitae), Labcorp
Classification: Benign for Colorectal cancer, hereditary nonpolyposis, type 7. Last evaluated: 2026-01-13. Review status: criteria provided, single submitter. Criteria: Invitae Variant Classification Sherloc (09022015). Collection method: clinical testing. Allele origin: germline.

Dasa
Classification: Likely benign. Last evaluated: 2025-12-05. Review status: criteria provided, single submitter. Criteria: DASA Assertion Criteria. Collection method: clinical testing. Allele origin: germline.
Comment: NM_001040108.2(MLH3):c.3488G>A (p.Gly1163Asp) is a missense variant that results in the substitution of glycine with aspartic acid. Population frequency is inconsistent with a disease-causing role for this variant, and observations in unaffected individuals support a benign interpretation. Therefore, based on the currently available evidence, this variant is classified as likely benign.

ARUP Laboratories, Molecular Genetics and Genomics, ARUP Laboratories
Classification: Benign. Last evaluated: 2025-05-29. Review status: criteria provided, single submitter. Criteria: ARUP Molecular Germline Variant Investigation Process 2024. Collection method: clinical testing. Allele origin: germline.

Center for Genomic Medicine, Rigshospitalet, Copenhagen University Hospital
Classification: Benign. Last evaluated: 2025-03-04. Review status: criteria provided, single submitter. Criteria: ACMG Guidelines, 2015. Collection method: clinical testing. Allele origin: germline.

Blueprint Genetics
Classification: Likely benign. Last evaluated: 2024-11-01. Review status: criteria provided, single submitter. Criteria: ACMG Guidelines, 2015. Collection method: clinical testing. Allele origin: germline.

Department of Pathology and Laboratory Medicine, Sinai Health System
Classification: Benign for Colorectal cancer, hereditary nonpolyposis, type 7; Colorectal cancer. Last evaluated: 2022-11-04. Review status: criteria provided, single submitter. Criteria: ACMG Guidelines, 2015. Collection method: clinical testing. Allele origin: germline. Affected: yes.

Institute for Clinical Genetics, University Hospital TU Dresden, University Hospital TU Dresden
Classification: Uncertain significance. Last evaluated: 2021-11-03. Review status: criteria provided, single submitter. Criteria: ACMG Guidelines, 2015. Collection method: clinical testing. Allele origin: germline.

Ambry Genetics
Classification: Benign. Last evaluated: 2020-08-19. Review status: criteria provided, single submitter. Criteria: Ambry Variant Classification Scheme 2023. Collection method: clinical testing. Allele origin: germline.

Illumina Laboratory Services, Illumina
Classification: Benign for Colorectal cancer, hereditary nonpolyposis, type 7. Last evaluated: 2017-04-27. Review status: criteria provided, single submitter. Criteria: ICSL Variant Classification Criteria 13 December 2019. Collection method: clinical testing. Allele origin: germline.
Comment: This variant was observed as part of a predisposition screen in an ostensibly healthy population. A literature search was performed for the gene, cDNA change, and amino acid change (where applicable). No publications were found based on this search. Allele frequency data from public databases was too high to be consistent with this variant causing disease. Therefore, this variant is classified as benign.

Mayo Clinic Laboratories, Mayo Clinic
Classification: Uncertain significance. Review status: no assertion criteria provided. Collection method: clinical testing. Allele origin: unknown. Not counted in ClinVar's aggregate classification.